The following is an entry in ClinVar:

ClinVar aggregate classification (germline): Uncertain significance (1 of 4 stars; one submission).

Conditions:
Joubert syndrome. Also called: CEREBELLOPARENCHYMAL DISORDER IV; JOUBERT-BOLTSHAUSER SYNDROME; Familial aplasia of the vermis. Identifiers: Orphanet 475, MedGen C5979921, MONDO:0018772.
Meckel-Gruber syndrome. Also called: DYSENCEPHALIA SPLANCHNOCYSTICA; GRUBER SYNDROME; Dysencephalia splachnocystica. Identifiers: Orphanet 564, MedGen C0265215, MONDO:0018921.

Allele frequency attached by ClinVar (database versions not stated): gnomAD exomes below 0.00001; TOPMed below 0.00001; gnomAD 0.00001.
gnomAD v4.1: 2 of 1,614,032 alleles (0.00012%); highest among the groups gnomAD compares: African/African-American, 0.0013%; no homozygotes.

Submission:

Labcorp Genetics (formerly Invitae), Labcorp
Classification: Uncertain significance for Joubert syndrome; Meckel-Gruber syndrome. Last evaluated: 2025-04-16. Review status: criteria provided, single submitter. Criteria: Invitae Variant Classification Sherloc (09022015). Collection method: clinical testing. Allele origin: germline.
Comment: This sequence change replaces valine, which is neutral and non-polar, with methionine, which is neutral and non-polar, at codon 106 of the RPGRIP1L protein (p.Val106Met). This variant is not present in population databases (gnomAD no frequency). This variant has not been reported in the literature in individuals affected with RPGRIP1L-related conditions. ClinVar contains an entry for this variant (Variation ID: 1423768). Invitae Evidence Modeling of protein sequence and biophysical properties (such as structural, functional, and spatial information, amino acid conservation, physicochemical variation, residue mobility, and thermodynamic stability) indicates that this missense variant is expected to disrupt RPGRIP1L protein function with a positive predictive value of 80%. In summary, the available evidence is currently insufficient to determine the role of this variant in disease. Therefore, it has been classified as a Variant of Uncertain Significance.

NM_015272.5(RPGRIP1L):c.316G>A (p.Val106Met)

Gene: RPGRIP1L (RPGRIP1 like; minus strand). Cytogenetic location: 16q12.2.
Variant type: single nucleotide variant.
Coding change: c.316G>A on transcript NM_015272.5 (MANE Select); coding-DNA position 316, G replaced by A.
Protein change: p.Val106Met; replaces valine 106 with methionine.
Molecular consequence: missense variant.
Genome position (GRCh38, 1-based): chr16:53,692,279, C>T on the plus strand (G>A on the coding strand, the complement: RPGRIP1L is on the minus strand). VCF-style: chr16-53692279-C-T. GRCh37 (hg19) VCF-style: chr16-53726191-C-T.
Other names: c.316G>A, p.Val106Met (NM_001127897.4, NM_001308334.3, NM_001330538.2); short protein forms V106M.
Identifiers: ClinVar variation 1423768 (VCV001423768.8), dbSNP rs1970438037, ClinGen allele CA395925093.